The following is an entry in ClinVar:

NM_015178.3(RHOBTB2):c.1072G>A (p.Gly358Ser)

Gene: RHOBTB2 (Rho related BTB domain containing 2; plus strand). Cytogenetic location: 8p21.3.
Variant type: single nucleotide variant.
Coding change: c.1072G>A on transcript NM_015178.3 (MANE Select); coding-DNA position 1072, G replaced by A.
Protein change: p.Gly358Ser; replaces glycine 358 with serine.
Molecular consequence: missense variant.
Genome position (GRCh38, 1-based): chr8:23,007,317, G>A. VCF-style: chr8-23007317-G-A. GRCh37 (hg19) VCF-style: chr8-22864830-G-A.
Other names: c.1138G>A, p.Gly380Ser (NM_001160036.2); c.1093G>A, p.Gly365Ser (NM_001160037.2); c.1072G>A, p.Gly358Ser (NM_001374791.1); short protein forms G358S, G365S, G380S.
Identifiers: ClinVar variation 3606510 (VCV003606510.3).

ClinVar aggregate classification (germline): Uncertain significance. Review status: criteria provided, multiple submitters, no conflicts (2 of 4 stars). 2 submissions from 2 submitters: Uncertain significance (2). Last evaluated 2025-08-29.

Conditions:
Developmental and epileptic encephalopathy, 64. Also called: EPILEPTIC ENCEPHALOPATHY, EARLY INFANTILE, 64. Identifiers: MedGen C4693899, MONDO:0033373, OMIM 618004.

gnomAD v4.1: 15 of 1,613,554 alleles (0.00093%); highest among the groups gnomAD compares: Middle Eastern, 0.033%; no homozygotes.

Submissions (2):

Labcorp Genetics (formerly Invitae), Labcorp
Classification: Uncertain significance. Last evaluated: 2025-08-29. Review status: criteria provided, single submitter. Criteria: Invitae Variant Classification Sherloc (09022015). Collection method: clinical testing. Allele origin: germline.
Comment: This sequence change replaces glycine, which is neutral and non-polar, with serine, which is neutral and polar, at codon 380 of the RHOBTB2 protein (p.Gly380Ser). This variant is present in population databases (no rsID available, gnomAD 0.01%). This variant has not been reported in the literature in individuals affected with RHOBTB2-related conditions. ClinVar contains an entry for this variant (Variation ID: 3606510). Invitae Evidence Modeling of protein sequence and biophysical properties (such as structural, functional, and spatial information, amino acid conservation, physicochemical variation, residue mobility, and thermodynamic stability) indicates that this missense variant is not expected to disrupt RHOBTB2 protein function with a negative predictive value of 80%. In summary, the available evidence is currently insufficient to determine the role of this variant in disease. Therefore, it has been classified as a Variant of Uncertain Significance.

Neuberg Centre For Genomic Medicine, NCGM
Classification: Uncertain significance for Developmental and epileptic encephalopathy, 64. Last evaluated: 2023-06-22. Review status: criteria provided, single submitter. Criteria: ACMG Guidelines, 2015. Collection method: clinical testing. Allele origin: germline. Inheritance: Autosomal dominant inheritance. Affected: yes.
Comment: The observed missense variant c.1072G>A(p.Gly358Ser) in RHOBTB2 gene has not been reported previously as a pathogenic variant nor as a benign variant, to our knowledge. This variant has 0.002% allele frequency in gnomAD Exomes. The amino acid Gly at position 358 is changed to a Ser changing protein sequence and it might alter its composition and physico-chemical properties. Computational evidence (Polyphen,Benign SIFT-Tolerated and MutationTaster-disease causing) predicts conflicting evidence on protein structure and function for this variant. The reference amino acid change p.Gly358Ser in RHOBTB2 is predicted as conserved by GERP++ and PhyloP across 100 vertebrates. For these reasons, this variant has been classified as Uncertain Significance.